The following is an entry in ClinVar:

NM_004984.4(KIF5A):c.590-3C>A

Gene: KIF5A (kinesin family member 5A; plus strand). Cytogenetic location: 12q13.3.
Variant type: single nucleotide variant.
Coding change: c.590-3C>A on transcript NM_004984.4 (MANE Select); 3 bases into the intron before coding-DNA position 590, C replaced by A.
Molecular consequence: intron variant.
Genome position (GRCh38, 1-based): chr12:57,567,491, C>A. VCF-style: chr12-57567491-C-A. GRCh37 (hg19) VCF-style: chr12-57961274-C-A.
Other names: c.323-3C>A (NM_001354705.2).
Identifiers: ClinVar variation 3630378 (VCV003630378.2).

ClinVar aggregate classification (germline): Uncertain significance (1 of 4 stars; one submission).

Conditions:
Spastic paraplegia. Identifiers: MedGen C0037772, HP:0001258.

Submission:

Labcorp Genetics (formerly Invitae), Labcorp
Classification: Uncertain significance for Spastic paraplegia. Last evaluated: 2024-06-12. Review status: criteria provided, single submitter. Criteria: Invitae Variant Classification Sherloc (09022015). Collection method: clinical testing. Allele origin: germline.
Comment: This sequence change falls in intron 7 of the KIF5A gene. It does not directly change the encoded amino acid sequence of the KIF5A protein. It affects a nucleotide within the consensus splice site. This variant is not present in population databases (gnomAD no frequency). This variant has not been reported in the literature in individuals affected with KIF5A-related conditions. Variants that disrupt the consensus splice site are a relatively common cause of aberrant splicing (PMID: 17576681, 9536098). Algorithms developed to predict the effect of sequence changes on RNA splicing suggest that this variant may disrupt the consensus splice site. In summary, the available evidence is currently insufficient to determine the role of this variant in disease. Therefore, it has been classified as a Variant of Uncertain Significance.

Literature cited by the submitters: PubMed 17576681; PubMed 9536098.